The following is an entry in ClinVar:

ClinVar aggregate classification (germline): Uncertain significance (1 of 4 stars; one submission).

Allele frequency attached by ClinVar (database versions not stated): TOPMed 0.00001; gnomAD 0.00001.
gnomAD v4.1: 7 of 1,614,000 alleles (0.00043%); highest among the groups gnomAD compares: Admixed American, 0.0033%; no homozygotes.

Submission:

Labcorp Genetics (formerly Invitae), Labcorp
Classification: Uncertain significance. Last evaluated: 2022-06-06. Review status: criteria provided, single submitter. Criteria: Invitae Variant Classification Sherloc (09022015). Collection method: clinical testing. Allele origin: germline.
Comment: In summary, the available evidence is currently insufficient to determine the role of this variant in disease. Therefore, it has been classified as a Variant of Uncertain Significance. This sequence change replaces threonine, which is neutral and polar, with isoleucine, which is neutral and non-polar, at codon 500 of the XYLT2 protein (p.Thr500Ile). This variant is present in population databases (no rsID available, gnomAD 0.006%). This variant has not been reported in the literature in individuals affected with XYLT2-related conditions. Algorithms developed to predict the effect of missense changes on protein structure and function are either unavailable or do not agree on the potential impact of this missense change (SIFT: "Deleterious"; PolyPhen-2: "Probably Damaging"; Align-GVGD: "Class C15").

NM_022167.4(XYLT2):c.1499C>T (p.Thr500Ile)

Gene: XYLT2 (xylosyltransferase 2; plus strand). Cytogenetic location: 17q21.33.
Variant type: single nucleotide variant.
Coding change: c.1499C>T on transcript NM_022167.4 (MANE Select); coding-DNA position 1499, C replaced by T.
Protein change: p.Thr500Ile; replaces threonine 500 with isoleucine.
Molecular consequence: missense variant.
Genome position (GRCh38, 1-based): chr17:50,356,527, C>T. VCF-style: chr17-50356527-C-T. GRCh37 (hg19) VCF-style: chr17-48433888-C-T.
Other names: short protein forms T500I.
Identifiers: ClinVar variation 1935072 (VCV001935072.5), dbSNP rs772058919, ClinGen allele CA291579735.
Genomic context (GRCh38, chr17:50,356,527, plus strand): 5'-GGGGCTTCCAGAGCCCTTCACCCTCCTTGCCTCTCCCACTCCAGCAAGTCTCCAGACCCA[C>T]CTTCTTCGCCCGGAAGTTCGAGTCGACTGTGAACCAGGAGGTGCTGGAAATCCTGGACTT-3'
Protein context (NP_071450.2, residues 490-510): FLRLQQVSRP[Thr500Ile]FFARKFESTV